The following is an entry in ClinVar:

ClinVar aggregate classification (germline): Uncertain significance (1 of 4 stars; one submission).

Conditions:
Myoclonic dystonia 11 (DYT11). Also called: DYT-SGCE; Myoclonic dystonia; Dystonia 11; Dystonia, alcohol responsive; Hereditary essential myoclonus; SGCE Myoclonus-Dystonia. Identifiers: Orphanet 36899, MedGen C1834570, MONDO:0008044, OMIM 159900.

Submission:

Labcorp Genetics (formerly Invitae), Labcorp
Classification: Uncertain significance for Myoclonic dystonia 11. Last evaluated: 2022-01-14. Review status: criteria provided, single submitter. Criteria: Invitae Variant Classification Sherloc (09022015). Collection method: clinical testing. Allele origin: germline.
Comment: This sequence change replaces aspartic acid, which is acidic and polar, with glycine, which is neutral and non-polar, at codon 96 of the SGCE protein (p.Asp96Gly). This variant is not present in population databases (gnomAD no frequency). This variant has not been reported in the literature in individuals affected with SGCE-related conditions. ClinVar contains an entry for this variant (Variation ID: 1035625). Algorithms developed to predict the effect of missense changes on protein structure and function (SIFT, PolyPhen-2, Align-GVGD) all suggest that this variant is likely to be disruptive. In summary, the available evidence is currently insufficient to determine the role of this variant in disease. Therefore, it has been classified as a Variant of Uncertain Significance.

NM_003919.3(SGCE):c.287A>G (p.Asp96Gly)

Genes: CASD1 (CAS1 domain sialic acid O acetyltransferase 1; plus strand), SGCE (sarcoglycan epsilon; minus strand). Cytogenetic location: 7q21.3.
Variant type: single nucleotide variant.
Coding change: c.287A>G on transcript NM_003919.3 (MANE Select); coding-DNA position 287, A replaced by G.
Protein change: p.Asp96Gly; replaces aspartic acid 96 with glycine.
Molecular consequence: missense variant.
Genome position (GRCh38, 1-based): chr7:94,628,305, T>C on the plus strand (A>G on the coding strand, the complement: SGCE is on the minus strand). VCF-style: chr7-94628305-T-C. GRCh37 (hg19) VCF-style: chr7-94257617-T-C.
Other names: c.287A>G, p.Asp96Gly (NM_001099400.2, NM_001099401.2, NM_001346717.2); c.164A>G, p.Asp55Gly (NM_001301139.2, NM_001362809.2); c.395A>G, p.Asp132Gly (NM_001346713.2, NM_001346715.2); c.200A>G, p.Asp67Gly (NM_001346719.2, NM_001362807.2); c.14A>G, p.Asp5Gly (NM_001346720.2, NM_001362808.2); short protein forms D67G, D55G, D5G, D132G, D96G.
Identifiers: ClinVar variation 1035625 (VCV001035625.8), dbSNP rs1804079600, ClinGen allele CA368238316.